The following is an entry in ClinVar:

NM_002900.3(RBP3):c.1450G>A (p.Gly484Arg)

Gene: RBP3 (retinol binding protein 3; plus strand). Cytogenetic location: 10q11.22.
Variant type: single nucleotide variant.
Coding change: c.1450G>A on transcript NM_002900.3 (MANE Select); coding-DNA position 1450, G replaced by A.
Protein change: p.Gly484Arg; replaces glycine 484 with arginine.
Molecular consequence: missense variant.
Genome position (GRCh38, 1-based): chr10:47,349,934, G>A. VCF-style: chr10-47349934-G-A. GRCh37 (hg19) VCF-style: chr10-48389428-C-T.
Other names: short protein forms G484R.
Identifiers: ClinVar variation 999676 (VCV000999676.8), dbSNP rs781986486, ClinGen allele CA376669849.

ClinVar aggregate classification (germline): Uncertain significance. Review status: criteria provided, multiple submitters, no conflicts (2 of 4 stars). 2 submissions from 2 submitters: Uncertain significance (2). Last evaluated 2023-12-11.

gnomAD v4.1: 12 of 1,612,384 alleles (0.00074%); highest among the groups gnomAD compares: Non-Finnish European, 0.001%; no homozygotes.

Submissions (2):

Labcorp Genetics (formerly Invitae), Labcorp
Classification: Uncertain significance. Last evaluated: 2023-12-11. Review status: criteria provided, single submitter. Criteria: Invitae Variant Classification Sherloc (09022015). Collection method: clinical testing. Allele origin: germline.
Comment: This sequence change replaces glycine, which is neutral and non-polar, with arginine, which is basic and polar, at codon 484 of the RBP3 protein (p.Gly484Arg). This variant is present in population databases (no rsID available, gnomAD 0.0009%). This variant has not been reported in the literature in individuals affected with RBP3-related conditions. ClinVar contains an entry for this variant (Variation ID: 999676). An algorithm developed to predict the effect of missense changes on protein structure and function (PolyPhen-2) suggests that this variant is likely to be disruptive. In summary, the available evidence is currently insufficient to determine the role of this variant in disease. Therefore, it has been classified as a Variant of Uncertain Significance.

Blueprint Genetics
Classification: Uncertain significance. Last evaluated: 2020-11-19. Review status: criteria provided, single submitter. Criteria: ACMG Guidelines, 2015. Collection method: clinical testing. Allele origin: germline.